The following is an entry in ClinVar:

NM_000138.5(FBN1):c.2887G>A (p.Glu963Lys)

Gene: FBN1 (fibrillin 1; minus strand). Cytogenetic location: 15q21.1.
Variant type: single nucleotide variant.
Coding change: c.2887G>A on transcript NM_000138.5 (MANE Select); coding-DNA position 2887, G replaced by A.
Protein change: p.Glu963Lys; replaces glutamic acid 963 with lysine.
Molecular consequence: missense variant.
Genome position (GRCh38, 1-based): chr15:48,490,046, C>T on the plus strand (G>A on the coding strand, the complement: FBN1 is on the minus strand). VCF-style: chr15-48490046-C-T. GRCh37 (hg19) VCF-style: chr15-48782243-C-T.
Other names: short protein forms E963K.
Identifiers: ClinVar variation 641157 (VCV000641157.10), dbSNP rs745709588, ClinGen allele CA392330032.
Genomic context (GRCh38, chr15:48,490,046, plus strand): 5'-AGCAGCAGCAGGCGTCCATGCGGTGGCGGCCAGCAATAGGCAGGGTGCACTCCTCGTCCT[C>T]GTACCTCAGGAAGCAGGTTTCCAGGCGGATATCTGTCAGAGGGAATCAAGGGAGGTTAAA-3'
Protein context (NP_000129.3, residues 953-973): IRLETCFLRY[Glu963Lys]DEECTLPIAG

ClinVar aggregate classification (germline): Uncertain significance. Review status: criteria provided, multiple submitters, no conflicts (2 of 4 stars). 3 submissions from 3 submitters: Uncertain significance (3). Last evaluated 2026-02-10.

Conditions:
Familial thoracic aortic aneurysm and aortic dissection (TAAD). Also called: Thoracic aortic aneurysms and dissections. Identifiers: Orphanet 91387, MedGen C4707243, MONDO:0019625.
Marfan syndrome (MFS). Also called: FBN1-Related Marfan Syndrome; Marfan syndrome type 1; Marfan's syndrome; Marfan syndrome, classic; MARFAN SYNDROME, TYPE I. Identifiers: Orphanet 284963, Orphanet 558, MedGen C0024796, MONDO:0007947, OMIM 154700.

Allele frequency attached by ClinVar (database versions not stated): TOPMed below 0.00001.
gnomAD v4.1: 3 of 1,614,154 alleles (0.00019%); highest among the groups gnomAD compares: East Asian, 0.0022%; no homozygotes.

Submissions (3):

Ambry Genetics
Classification: Uncertain significance for Familial thoracic aortic aneurysm and aortic dissection. Last evaluated: 2026-02-10. Review status: criteria provided, single submitter. Criteria: Ambry Variant Classification Scheme 2023. Collection method: clinical testing. Allele origin: germline.
Comment: The p.E963K variant (also known as c.2887G>A), located in coding exon 24 of the FBN1 gene, results from a G to A substitution at nucleotide position 2887. The glutamic acid at codon 963 is replaced by lysine, an amino acid with similar properties. This amino acid position is poorly conserved in available vertebrate species. In addition, the in silico prediction for this alteration is inconclusive. Based on the available evidence, the clinical significance of this variant remains unclear.

GeneDx
Classification: Uncertain significance. Last evaluated: 2025-06-29. Review status: criteria provided, single submitter. Criteria: GeneDx Variant Classification Process June 2021. Collection method: clinical testing. Allele origin: germline. Affected: yes.
Comment: Not observed at significant frequency in large population cohorts (gnomAD); In silico analysis suggests that this missense variant does not alter protein structure/function; Has not been previously published as pathogenic or benign to our knowledge; Does not affect a cysteine or calcium-binding residue within an EGF-like domain or a TGF-binding protein domain of the FBN1 gene; cysteine substitutions in the EGF-like domains represent the majority of pathogenic missense changes associated with FBN1-related disorders (PMID: 12938084); This variant is associated with the following publications: (PMID: 12938084)

Labcorp Genetics (formerly Invitae), Labcorp
Classification: Uncertain significance for Marfan syndrome; Familial thoracic aortic aneurysm and aortic dissection. Last evaluated: 2020-12-14. Review status: criteria provided, single submitter. Criteria: Invitae Variant Classification Sherloc (09022015). Collection method: clinical testing. Allele origin: germline.
Comment: This variant is not present in population databases (ExAC no frequency). This sequence change replaces glutamic acid with lysine at codon 963 of the FBN1 protein (p.Glu963Lys). The glutamic acid residue is moderately conserved and there is a small physicochemical difference between glutamic acid and lysine. In summary, the available evidence is currently insufficient to determine the role of this variant in disease. Therefore, it has been classified as a Variant of Uncertain Significance. Algorithms developed to predict the effect of missense changes on protein structure and function (SIFT, PolyPhen-2, Align-GVGD) all suggest that this variant is likely to be tolerated, but these predictions have not been confirmed by published functional studies and their clinical significance is uncertain.